The following is an entry in ClinVar:

ClinVar aggregate classification (germline): Likely benign. Review status: criteria provided, multiple submitters, no conflicts (2 of 4 stars). 2 submissions from 2 submitters: Likely benign (2). Last evaluated 2022-09-26.

Conditions:
Cardiovascular phenotype. Identifiers: MedGen CN230736.

Allele frequency attached by ClinVar (database versions not stated): gnomAD exomes below 0.00001.
gnomAD v4.1: 2 of 1,613,726 alleles (0.00012%); highest among the groups gnomAD compares: Admixed American, 0.0033%; no homozygotes.

Submissions (2):

Ambry Genetics
Classification: Likely benign for Cardiovascular phenotype. Last evaluated: 2022-09-26. Review status: criteria provided, single submitter. Criteria: Ambry Variant Classification Scheme 2023. Collection method: clinical testing. Allele origin: germline.

Laboratory for Molecular Medicine, Mass General Brigham Personalized Medicine
Classification: Likely benign. Last evaluated: 2013-02-12. Review status: criteria provided, single submitter. Criteria: LMM Criteria. Collection method: clinical testing. Allele origin: germline. Observed: 1 variant allele.
Comment: Asp28Asp in exon 3 of MYOZ2: This variant is not expected to have clinical signi ficance because it does not alter an amino acid residue and is not located withi n the splice consensus sequence. Asp28Asp in exon 3 of MYOZ2 (allele frequency = N/A)

NM_016599.5(MYOZ2):c.84T>C (p.Asp28=)

Gene: MYOZ2 (myozenin 2; plus strand). Cytogenetic location: 4q26.
Variant type: single nucleotide variant.
Coding change: c.84T>C on transcript NM_016599.5 (MANE Select); coding-DNA position 84, T replaced by C.
Protein change: p.Asp28=; no amino-acid change (aspartic acid 28 retained).
Molecular consequence: synonymous variant.
Genome position (GRCh38, 1-based): chr4:119,150,879, T>C. VCF-style: chr4-119150879-T-C. GRCh37 (hg19) VCF-style: chr4-120072034-T-C.
Identifiers: ClinVar variation 45790 (VCV000045790.7), dbSNP rs397517292, ClinGen allele CA137046.
Genomic context (GRCh38, chr4:119,150,879, plus strand): 5'-GCATTAAAAATGCTTACCTTGGGATTTTTACTCATATGAATATTGTTTTACAGATGTTGA[T>C]GGCATGGACCTGGGCAAAAAGGTCAGCATCCCCAGAGACATCATGTTGGAAGAATTATCC-3'
Protein context (NP_057683.1, residues 18-38): IMKEVHGNDV[Asp28=]GMDLGKKVSI